The following is an entry in ClinVar:

NM_000574.5(CD55):c.775A>G (p.Met259Val)

Gene: CD55 (CD55 molecule (Cromer blood group); plus strand). Cytogenetic location: 1q32.2.
Variant type: single nucleotide variant.
Coding change: c.775A>G on transcript NM_000574.5 (MANE Select); coding-DNA position 775, A replaced by G.
Protein change: p.Met259Val; replaces methionine 259 with valine.
Molecular consequence: missense variant. On other transcripts: non-coding transcript variant (1).
Genome position (GRCh38, 1-based): chr1:207,331,218, A>G. VCF-style: chr1-207331218-A-G. GRCh37 (hg19) VCF-style: chr1-207504563-A-G.
Other names: c.775A>G, p.Met259Val (NM_001114752.3, NM_001300902.2, NM_001300903.2 and 1 more transcripts); short protein forms M259V.
Identifiers: ClinVar variation 1425119 (VCV001425119.7), dbSNP rs373182738, ClinGen allele CA1368098.
Genomic context (GRCh38, chr1:207,331,218, plus strand): 5'-GAACGTGACCATTATGGATATAGACAGTCTGTAACGTATGCATGTAATAAAGGATTCACC[A>G]TGATTGGAGAGCACTCTATTTATTGTACTGTGAATAATGATGAAGGAGAGTGGAGTGGCC-3'
Protein context (NP_000565.1, residues 249-269): VTYACNKGFT[Met259Val]IGEHSIYCTV

ClinVar aggregate classification (germline): Uncertain significance. Review status: criteria provided, multiple submitters, no conflicts (2 of 4 stars). 2 submissions from 2 submitters: Uncertain significance (2). Last evaluated 2022-05-24.

Allele frequency attached by ClinVar (database versions not stated): ExAC 0.00001; gnomAD exomes 0.00003 and 0.00004; TOPMed 0.00003; gnomAD 0.00005; ESP Exome Variant Server 0.00008.
gnomAD v4.1: 71 of 1,613,704 alleles (0.0044%); highest among the groups gnomAD compares: Admixed American, 0.022%; no homozygotes.

Submissions (2):

Labcorp Genetics (formerly Invitae), Labcorp
Classification: Uncertain significance. Last evaluated: 2022-05-24. Review status: criteria provided, single submitter. Criteria: Invitae Variant Classification Sherloc (09022015). Collection method: clinical testing. Allele origin: germline.
Comment: In summary, the available evidence is currently insufficient to determine the role of this variant in disease. Therefore, it has been classified as a Variant of Uncertain Significance. Algorithms developed to predict the effect of missense changes on protein structure and function are either unavailable or do not agree on the potential impact of this missense change (SIFT: "Deleterious"; PolyPhen-2: "Benign"; Align-GVGD: "Class C0"). This variant has not been reported in the literature in individuals affected with CD55-related conditions. This variant is present in population databases (rs373182738, gnomAD 0.01%). This sequence change replaces methionine, which is neutral and non-polar, with valine, which is neutral and non-polar, at codon 259 of the CD55 protein (p.Met259Val).

Blueprint Genetics
Classification: Uncertain significance. Last evaluated: 2022-04-13. Review status: criteria provided, single submitter. Criteria: ACMG Guidelines, 2015. Collection method: clinical testing. Allele origin: germline.